The following is an entry in ClinVar:

NM_130468.4(CHST14):c.692G>A (p.Arg231Gln)

Gene: CHST14 (carbohydrate sulfotransferase 14; plus strand). Cytogenetic location: 15q15.1.
Variant type: single nucleotide variant.
Coding change: c.692G>A on transcript NM_130468.4 (MANE Select); coding-DNA position 692, G replaced by A.
Protein change: p.Arg231Gln; replaces arginine 231 with glutamine.
Molecular consequence: missense variant.
Genome position (GRCh38, 1-based): chr15:40,471,905, G>A. VCF-style: chr15-40471905-G-A. GRCh37 (hg19) VCF-style: chr15-40764104-G-A.
Other names: short protein forms R231Q.
Identifiers: ClinVar variation 1411929 (VCV001411929.11), dbSNP rs751335857, ClinGen allele CA7481633.

ClinVar aggregate classification (germline): Conflicting classifications of pathogenicity. Review status: criteria provided, conflicting classifications (1 of 4 stars). 4 submissions from 4 submitters: Uncertain significance (3); Likely benign (1). Last evaluated 2025-06-05.

Conditions:
Ehlers-Danlos syndrome, musculocontractural type (EDSMC). Also called: DUNDAR SYNDROME; ADDUCTED THUMB-CLUBFOOT SYNDROME; ARTHROGRYPOSIS, DISTAL, WITH PECULIAR FACIES AND HYDRONEPHROSIS; Adducted thumb, clubfoot, progressive joint and skin laxity syndrome. Identifiers: Orphanet 2953, MedGen C1866294, MONDO:0011142.
Cardiovascular phenotype. Identifiers: MedGen CN230736.
Ehlers-Danlos syndrome (EDS). Identifiers: Orphanet 98249, MedGen C0013720, MONDO:0020066.

Allele frequency attached by ClinVar (database versions not stated): gnomAD exomes 0.00001.
gnomAD v4.1: 11 of 1,614,100 alleles (0.00068%); highest among the groups gnomAD compares: Middle Eastern, 0.016%; no homozygotes.

Submissions (4):

Ambry Genetics
Classification: Likely benign for Cardiovascular phenotype. Last evaluated: 2025-06-05. Review status: criteria provided, single submitter. Criteria: Ambry Variant Classification Scheme 2023. Collection method: clinical testing. Allele origin: germline.

GeneDx
Classification: Uncertain significance. Last evaluated: 2024-11-19. Review status: criteria provided, single submitter. Criteria: GeneDx Variant Classification Process June 2021. Collection method: clinical testing. Allele origin: germline. Affected: yes.
Comment: Not observed at significant frequency in large population cohorts (gnomAD); In silico analysis indicates that this missense variant does not alter protein structure/function; Has not been previously published as pathogenic or benign to our knowledge

Labcorp Genetics (formerly Invitae), Labcorp
Classification: Uncertain significance for Ehlers-Danlos syndrome, musculocontractural type. Last evaluated: 2022-10-04. Review status: criteria provided, single submitter. Criteria: Invitae Variant Classification Sherloc (09022015). Collection method: clinical testing. Allele origin: germline.
Comment: In summary, the available evidence is currently insufficient to determine the role of this variant in disease. Therefore, it has been classified as a Variant of Uncertain Significance. Advanced modeling of protein sequence and biophysical properties (such as structural, functional, and spatial information, amino acid conservation, physicochemical variation, residue mobility, and thermodynamic stability) performed at Invitae indicates that this missense variant is not expected to disrupt CHST14 protein function. ClinVar contains an entry for this variant (Variation ID: 1411929). This variant has not been reported in the literature in individuals affected with CHST14-related conditions. This variant is present in population databases (rs751335857, gnomAD 0.003%). This sequence change replaces arginine, which is basic and polar, with glutamine, which is neutral and polar, at codon 231 of the CHST14 protein (p.Arg231Gln).

Genome Diagnostics Laboratory, The Hospital for Sick Children
Classification: Uncertain significance for Ehlers-Danlos syndrome. Last evaluated: 2022-02-23. Review status: criteria provided, single submitter. Criteria: ACMG Guidelines, 2015. Collection method: clinical testing. Allele origin: germline.